The following is an entry in ClinVar:

ClinVar aggregate classification (germline): Benign/Likely benign. Review status: criteria provided, multiple submitters, no conflicts (2 of 4 stars). 3 submissions from 3 submitters: Benign (1); Likely benign (1). 1 of the submissions does not count toward it. Last evaluated 2026-02-02.

Conditions:
TENM3-related disorder. Also called: TENM3-related condition.

Allele frequency attached by ClinVar (database versions not stated): 1000 Genomes Project 30x 0.00031; 1000 Genomes Project 0.00060; TOPMed 0.00091; ESP Exome Variant Server 0.00106; gnomAD 0.00226.
gnomAD v4.1: 2,342 of 1,613,750 alleles (0.15%); highest among the groups gnomAD compares: Non-Finnish European, 0.12%; 9 homozygotes.

Submissions (3):

Labcorp Genetics (formerly Invitae), Labcorp
Classification: Benign. Last evaluated: 2026-02-02. Review status: criteria provided, single submitter. Criteria: Invitae Variant Classification Sherloc (09022015). Collection method: clinical testing. Allele origin: germline.

CeGaT Center for Human Genetics Tuebingen
Classification: Likely benign. Last evaluated: 2023-03-01. Review status: criteria provided, single submitter. Criteria: CeGaT Center For Human Genetics Tuebingen Variant Classification Criteria Version 2. Collection method: clinical testing. Allele origin: germline. Affected: yes. Observed: 2 variant alleles.
Comment: TENM3: BP4, BS2

PreventionGenetics, part of Exact Sciences
Classification: Benign for TENM3-related condition. Last evaluated: 2019-06-12. Review status: no assertion criteria provided. Collection method: clinical testing. Allele origin: germline. Not counted in ClinVar's aggregate classification.
Comment: This variant is classified as benign based on ACMG/AMP sequence variant interpretation guidelines (Richards et al. 2015 PMID: 25741868, with internal and published modifications).

NM_001080477.4(TENM3):c.2084C>T (p.Thr695Met)

Gene: TENM3 (teneurin transmembrane protein 3; plus strand). Cytogenetic location: 4q35.1.
Variant type: single nucleotide variant.
Coding change: c.2084C>T on transcript NM_001080477.4 (MANE Select); coding-DNA position 2084, C replaced by T.
Protein change: p.Thr695Met; replaces threonine 695 with methionine.
Molecular consequence: missense variant.
Genome position (GRCh38, 1-based): chr4:182,688,214, C>T. VCF-style: chr4-182688214-C-T. GRCh37 (hg19) VCF-style: chr4-183609367-C-T.
Other names: c.1268C>T, p.Thr423Met (NM_001415960.1, NM_001415961.1, NM_001415962.1 and 2 more transcripts); c.1805C>T, p.Thr602Met (NM_001415966.1, NM_001415967.1, NM_001415976.1 and 1 more transcripts); c.2084C>T, p.Thr695Met (NM_001415968.1, NM_001415969.1, NM_001415970.1 and 4 more transcripts); c.2084C>T (NM_001080477.3); short protein forms T695M, T423M, T602M.
Identifiers: ClinVar variation 2037510 (VCV002037510.29), dbSNP rs189502887, ClinGen allele CA3147888.